The following is an entry in ClinVar:

ClinVar aggregate classification (germline): Uncertain significance (1 of 4 stars; one submission).

Conditions:
OTOG-related disorder. Also called: OTOG-related condition.

gnomAD v4.1: 3 of 1,550,972 alleles (0.00019%); highest among the groups gnomAD compares: African/African-American, 0.0041%; no homozygotes.

Submission:

PreventionGenetics, part of Exact Sciences
Classification: Uncertain significance for OTOG-related condition. Last evaluated: 2025-08-20. Review status: criteria provided, single submitter. Criteria: ACMG Guidelines, 2015. Collection method: clinical testing. Allele origin: germline.
Comment: The OTOG c.8624A>G variant is predicted to result in the amino acid substitution p.Tyr2875Cys. To our knowledge, this variant has not been reported in the literature or in a large population database (gnomAD), indicating this variant is rare. At this time, the clinical significance of this variant is uncertain due to the absence of conclusive functional and genetic evidence.

NM_001292063.2(OTOG):c.8588A>G (p.Tyr2863Cys)

Gene: OTOG (otogelin; plus strand). Cytogenetic location: 11p15.1.
Variant type: single nucleotide variant.
Coding change: c.8588A>G on transcript NM_001292063.2 (MANE Select); coding-DNA position 8588, A replaced by G.
Protein change: p.Tyr2863Cys; replaces tyrosine 2863 with cysteine.
Molecular consequence: missense variant.
Genome position (GRCh38, 1-based): chr11:17,645,790, A>G. VCF-style: chr11-17645790-A-G. GRCh37 (hg19) VCF-style: chr11-17667337-A-G.
Other names: c.8624A>G, p.Tyr2875Cys (NM_001277269.2); short protein forms Y2863C, Y2875C.
Identifiers: ClinVar variation 4977439 (VCV004977439.1).
Genomic context (GRCh38, chr11:17,645,790, plus strand): 5'-CCTGCCCGTTCCAGGTGAACCTAGTGTCCTGCGATGGGAGGTGCCCATCCGCCAGCATCT[A>G]CAACTACAACATCAACACCTATGCCCGATTCTGCAAGTGCTGCCGTGAGGTGGGCCTGCA-3'
Protein context (NP_001278992.1, residues 2853-2873): CDGRCPSASI[Tyr2863Cys]NYNINTYARF